The following is an entry in ClinVar:

ClinVar aggregate classification (germline): Uncertain significance (1 of 4 stars; one submission).

gnomAD v4.1: 3 of 1,603,488 alleles (0.00019%); highest among the groups gnomAD compares: Admixed American, 0.0017%; no homozygotes.

Submission:

Labcorp Genetics (formerly Invitae), Labcorp
Classification: Uncertain significance. Last evaluated: 2025-12-02. Review status: criteria provided, single submitter. Criteria: Invitae Variant Classification Sherloc (09022015). Collection method: clinical testing. Allele origin: germline.
Comment: This sequence change replaces isoleucine, which is neutral and non-polar, with threonine, which is neutral and polar, at codon 276 of the DSG1 protein (p.Ile276Thr). This variant is present in population databases (no rsID available, gnomAD 0.003%). This variant has not been reported in the literature in individuals affected with DSG1-related conditions. Invitae Evidence Modeling of protein sequence and biophysical properties (such as structural, functional, and spatial information, amino acid conservation, physicochemical variation, residue mobility, and thermodynamic stability) indicates that this missense variant is not expected to disrupt DSG1 protein function with a negative predictive value of 80%. In summary, the available evidence is currently insufficient to determine the role of this variant in disease. Therefore, it has been classified as a Variant of Uncertain Significance.

NM_001942.4(DSG1):c.827T>C (p.Ile276Thr)

Gene: DSG1 (desmoglein 1; plus strand). Cytogenetic location: 18q12.1.
Variant type: single nucleotide variant.
Coding change: c.827T>C on transcript NM_001942.4 (MANE Select); coding-DNA position 827, T replaced by C.
Protein change: p.Ile276Thr; replaces isoleucine 276 with threonine.
Molecular consequence: missense variant.
Genome position (GRCh38, 1-based): chr18:31,334,024, T>C. VCF-style: chr18-31334024-T-C. GRCh37 (hg19) VCF-style: chr18-28913987-T-C.
Other names: short protein forms I276T.
Identifiers: ClinVar variation 4765252 (VCV004765252.1).